The following is an entry in ClinVar:

ClinVar aggregate classification (germline): Uncertain significance (1 of 4 stars; one submission).

Submission:

Labcorp Genetics (formerly Invitae), Labcorp
Classification: Uncertain significance. Last evaluated: 2025-10-29. Review status: criteria provided, single submitter. Criteria: Invitae Variant Classification Sherloc (09022015). Collection method: clinical testing. Allele origin: germline.
Comment: This sequence change replaces arginine, which is basic and polar, with leucine, which is neutral and non-polar, at codon 1540 of the COL4A2 protein (p.Arg1540Leu). This variant is not present in population databases (gnomAD no frequency). This variant has not been reported in the literature in individuals affected with COL4A2-related conditions. Invitae Evidence Modeling of protein sequence and biophysical properties (such as structural, functional, and spatial information, amino acid conservation, physicochemical variation, residue mobility, and thermodynamic stability) indicates that this missense variant is not expected to disrupt COL4A2 protein function with a negative predictive value of 95%. In summary, the available evidence is currently insufficient to determine the role of this variant in disease. Therefore, it has been classified as a Variant of Uncertain Significance.

NM_001846.4(COL4A2):c.4619G>T (p.Arg1540Leu)

Genes: COL4A2 (collagen type IV alpha 2 chain; plus strand), COL4A2-AS1 (COL4A2 antisense RNA 1; minus strand). Cytogenetic location: 13q34.
Variant type: single nucleotide variant.
Coding change: c.4619G>T on transcript NM_001846.4 (MANE Select); coding-DNA position 4619, G replaced by T.
Protein change: p.Arg1540Leu; replaces arginine 1540 with leucine.
Molecular consequence: missense variant.
Genome position (GRCh38, 1-based): chr13:110,507,959, G>T. VCF-style: chr13-110507959-G-T. GRCh37 (hg19) VCF-style: chr13-111160306-G-T.
Other names: short protein forms R1540L.
Identifiers: ClinVar variation 4746344 (VCV004746344.1).